The following is an entry in ClinVar:

ClinVar aggregate classification (germline): Uncertain significance (1 of 4 stars; one submission).

Submission:

Women's Health and Genetics/Laboratory Corporation of America, LabCorp
Classification: Uncertain significance. Last evaluated: 2019-11-11. Review status: criteria provided, single submitter. Criteria: LabCorp Variant Classification Summary - May 2015. Collection method: clinical testing. Allele origin: germline.
Comment: Variant summary: SOS1 c.2180A>G (p.Lys727Arg) results in a conservative amino acid change located in the Ras-like guanine nucleotide exchange factor, N-terminal domain (IPR000651) of the encoded protein sequence. Four of five in-silico tools predict a benign effect of the variant on protein function. The variant was absent in 251006 control chromosomes (gnomAD). The available data on variant occurrences in the general population are insufficient to allow any conclusion about variant significance. To our knowledge, no occurrence of c.2180A>G in individuals affected with Noonan Syndrome and Related Conditions and no experimental evidence demonstrating its impact on protein function have been reported. No clinical diagnostic laboratories have submitted clinical-significance assessments for this variant to ClinVar after 2014. Based on the evidence outlined above, the variant was classified as uncertain significance.

NM_005633.4(SOS1):c.2180A>G (p.Lys727Arg)

Gene: SOS1 (SOS Ras/Rac guanine nucleotide exchange factor 1; minus strand). Cytogenetic location: 2p22.1.
Variant type: single nucleotide variant.
Coding change: c.2180A>G on transcript NM_005633.4 (MANE Select); coding-DNA position 2180, A replaced by G.
Protein change: p.Lys727Arg; replaces lysine 727 with arginine.
Molecular consequence: missense variant.
Genome position (GRCh38, 1-based): chr2:39,012,336, T>C on the plus strand (A>G on the coding strand, the complement: SOS1 is on the minus strand). VCF-style: chr2-39012336-T-C. GRCh37 (hg19) VCF-style: chr2-39239477-T-C.
Other names: c.2159A>G, p.Lys720Arg (NM_001382394.1); c.2180A>G, p.Lys727Arg (NM_001382395.1); short protein forms K720R, K727R.
Identifiers: ClinVar variation 928680 (VCV000928680.1), dbSNP rs1669496540, ClinGen allele CA346364457.